The following is an entry in ClinVar:

NM_002439.5(MSH3):c.1833A>G (p.Ile611Met)

Gene: MSH3 (mutS homolog 3; plus strand). Cytogenetic location: 5q14.1.
Variant type: single nucleotide variant.
Coding change: c.1833A>G on transcript NM_002439.5 (MANE Select); coding-DNA position 1833, A replaced by G.
Protein change: p.Ile611Met; replaces isoleucine 611 with methionine.
Molecular consequence: missense variant.
Genome position (GRCh38, 1-based): chr5:80,761,615, A>G. VCF-style: chr5-80761615-A-G. GRCh37 (hg19) VCF-style: chr5-80057434-A-G.
Other names: short protein forms I611M.
Identifiers: ClinVar variation 1063624 (VCV001063624.12), dbSNP rs1744035428, ClinGen allele CA360276610.

ClinVar aggregate classification (germline): Uncertain significance. Review status: criteria provided, multiple submitters, no conflicts (2 of 4 stars). 2 submissions from 2 submitters: Uncertain significance (2). Last evaluated 2024-04-24.

Conditions:
Hereditary cancer-predisposing syndrome. Also called: Hereditary Cancer Syndrome; Hereditary neoplastic syndrome; Neoplastic Syndromes, Hereditary; Tumor predisposition. Identifiers: Orphanet 140162, MedGen C0027672, MeSH D009386, MONDO:0015356.

Allele frequency attached by ClinVar (database versions not stated): gnomAD exomes below 0.00001; TOPMed below 0.00001; gnomAD 0.00001.
gnomAD v4.1: 3 of 1,614,068 alleles (0.00019%); highest among the groups gnomAD compares: Admixed American, 0.0017%; no homozygotes.

Submissions (2):

Ambry Genetics
Classification: Uncertain significance for Hereditary cancer-predisposing syndrome. Last evaluated: 2024-04-24. Review status: criteria provided, single submitter. Criteria: Ambry Variant Classification Scheme 2023. Collection method: clinical testing. Allele origin: germline.
Comment: The p.I611M variant (also known as c.1833A>G), located in coding exon 13 of the MSH3 gene, results from an A to G substitution at nucleotide position 1833. The isoleucine at codon 611 is replaced by methionine, an amino acid with highly similar properties. This amino acid position is conserved. In addition, the in silico prediction for this alteration is inconclusive. Since supporting evidence is limited at this time, the clinical significance of this alteration remains unclear.

Labcorp Genetics (formerly Invitae), Labcorp
Classification: Uncertain significance. Last evaluated: 2023-07-09. Review status: criteria provided, single submitter. Criteria: Invitae Variant Classification Sherloc (09022015). Collection method: clinical testing. Allele origin: germline.
Comment: ClinVar contains an entry for this variant (Variation ID: 1063624). This sequence change replaces isoleucine, which is neutral and non-polar, with methionine, which is neutral and non-polar, at codon 611 of the MSH3 protein (p.Ile611Met). This variant is not present in population databases (gnomAD no frequency). This variant has not been reported in the literature in individuals affected with MSH3-related conditions. An algorithm developed to predict the effect of missense changes on protein structure and function (PolyPhen-2) suggests that this variant is likely to be disruptive. In summary, the available evidence is currently insufficient to determine the role of this variant in disease. Therefore, it has been classified as a Variant of Uncertain Significance.